The following is an entry in ClinVar:

ClinVar aggregate classification (germline): Uncertain significance. Review status: reviewed by expert panel (3 of 4 stars). 2 submissions from 2 submitters: Uncertain significance (1). 1 of the submissions does not count toward it. Last evaluated 2025-12-19.

Conditions:
Immunodeficiency 14 (IMD14A). Also called: ACTIVATED PI3K-DELTA SYNDROME 1; IMMUNODEFICIENCY 14A WITH LYMPHOPROLIFERATION, AUTOSOMAL DOMINANT; Activated PI3K Delta Syndrome Type 1 (APDS1); p110-DELTA-ACTIVATING MUTATION CAUSING SENESCENT T CELLS, LYMPHADENOPATHY, AND IMMUNODEFICIENCY. Identifiers: Orphanet 397596, Orphanet 693661, MedGen C5907821, MONDO:0014222, OMIM 615513.

Allele frequency attached by ClinVar (database versions not stated): gnomAD exomes below 0.00001.
gnomAD v4.1: 1 of 1,614,080 alleles (0.000062%); highest among the groups gnomAD compares: Non-Finnish European, 0.000085%; no homozygotes.

Submissions (2):

ClinGen Primary Immune Regulatory Disorders Variant Curation Expert Panel, ClinGen
Classification: Uncertain significance for Immunodeficiency 14. Last evaluated: 2025-12-19. Review status: reviewed by expert panel. Criteria: ClinGen AbDef ACMG Specifications PIK3CD V1.0.0. Collection method: curation. Allele origin: germline. Inheritance: Autosomal dominant inheritance.
Comment: NM_005026.5(PIK3CD):c.2785C>T (p.Arg929Cys) is a missense variant causing substitution of arginine by cysteine at amino acid 929. This variant is present in gnomAD v4.1.0 at a total combined allele frequency of 0.0000006195, with 1 allele / 1,614,080 total alleles across all populations of gnomAD, which is lower than the ClinGen Antibody Deficiencies VCEP PM2_Supporting threshold of <0.00000132 (PM2_Supporting). This variant has been reported in at least 1 proband with a phenotype that included decreased circulating IgG (0.5 pts), B lymphocytopenia with increased transitional B cells (2 pts), hemochromatosis, leukopenia (1 pt), decreased S. pneumonia vaccine response, recurrent upper and lower respiratory tract infections (4 pts), and seizures (0.5 pts), with PCR-based genotyping identifying no alternative basis of disease in the PIK3R1 gene (8 total points, PMID: 28104464, PS4_Supporting). The computational predictor REVEL gives a score of 0.821, which is above the ClinGen Antibody Deficiencies VCEP threshold of >0.644 and predicts a damaging effect on PIK3CD function. The computational predictor CADD gives a PHRED score of 28.9, which is above the ClinGen Antibody Deficiencies VCEP threshold of >25.3 and predicts a deleterious effect on PIK3CD function. The two predictors agree on a damaging effect (PP3). In summary, this variant meets the criteria to be classified as a variant of uncertain significance for autosomal dominant immunodeficiency 14 based on the ACMG/AMP criteria applied, as specified by the ClinGen Antibody Deficiencies VCEP: PM2_Supporting, PS4_Supporting, and PP3. (VCEP specifications version 1.0.0).

Labcorp Genetics (formerly Invitae), Labcorp
Classification: Uncertain significance for Activated PI3K-delta syndrome. Last evaluated: 2020-09-02. Review status: criteria provided, single submitter. Criteria: Invitae Variant Classification Sherloc (09022015). Collection method: clinical testing. Allele origin: germline. Not counted in ClinVar's aggregate classification.
Comment: In summary, the available evidence is currently insufficient to determine the role of this variant in disease. Therefore, it has been classified as a Variant of Uncertain Significance. Algorithms developed to predict the effect of sequence changes on RNA splicing suggest that this variant may create or strengthen a splice site, but this prediction has not been confirmed by published transcriptional studies. Algorithms developed to predict the effect of missense changes on protein structure and function (SIFT, PolyPhen-2, Align-GVGD) all suggest that this variant is likely to be disruptive, but these predictions have not been confirmed by published functional studies and their clinical significance is uncertain. This variant has been observed in individual(s) with clinical features of PI3K-delta syndrome (PMID: 28104464). This variant is not present in population databases (ExAC no frequency). This sequence change replaces arginine with cysteine at codon 929 of the PIK3CD protein (p.Arg929Cys). The arginine residue is highly conserved and there is a large physicochemical difference between arginine and cysteine.

Literature cited by the submitters: PubMed 28104464 (cited by Labcorp Genetics (formerly Invitae), Labcorp).

NM_005026.5(PIK3CD):c.2785C>T (p.Arg929Cys)

Gene: PIK3CD (phosphatidylinositol-4,5-bisphosphate 3-kinase catalytic subunit delta; plus strand). Cytogenetic location: 1p36.22.
Variant type: single nucleotide variant.
Coding change: c.2785C>T on transcript NM_005026.5 (MANE Select); coding-DNA position 2785, C replaced by T.
Protein change: p.Arg929Cys; replaces arginine 929 with cysteine.
Molecular consequence: missense variant.
Genome position (GRCh38, 1-based): chr1:9,724,342, C>T. VCF-style: chr1-9724342-C-T. GRCh37 (hg19) VCF-style: chr1-9784400-C-T.
Other names: NM_005026.5(PIK3CD):c.2785C>T; p.Arg929Cys; c.2782C>T, p.Arg928Cys (NM_001350234.2); c.2698C>T, p.Arg900Cys (NM_001350235.1); short protein forms R900C, R928C, R929C.
Identifiers: ClinVar variation 1051935 (VCV001051935.9), dbSNP rs2101002964, ClinGen allele CA338307992.